The following is an entry in ClinVar:

NM_002454.3(MTRR):c.754del (p.Val252fs)

Gene: MTRR (5-methyltetrahydrofolate-homocysteine methyltransferase reductase; plus strand). Cytogenetic location: 5p15.31.
Variant type: Deletion.
Coding change: c.754del on transcript NM_002454.3 (MANE Select); coding-DNA position 754, one base deleted (G; older notation c.754delG).
Protein change: p.Val252fs; shifts the reading frame from valine 252.
Molecular consequence: frameshift variant. On other transcripts: non-coding transcript variant (14).
Genome position (GRCh38, 1-based): chr5:7,878,296, G deleted; the last of 2 consecutive G bases (chr5:7,878,295-7,878,296); deleting either gives the same sequence. VCF-style (leftmost placement, unchanged base first): chr5-7878294-AG-A. GRCh37 (hg19) VCF-style: chr5-7878407-AG-A.
Other names: c.754del, p.Val252fs (NM_001364440.2, NM_001364441.2, NM_001364442.2 and 1 more transcripts); short protein forms V252fs.
Identifiers: ClinVar variation 2115097 (VCV002115097.4), dbSNP rs2478805727, ClinGen allele CA2580073150.

ClinVar aggregate classification (germline): Pathogenic (1 of 4 stars; one submission).

Conditions:
Methylcobalamin deficiency type cblE (HMAE). Also called: HOMOCYSTINURIA-MEGALOBLASTIC ANEMIA, cblE TYPE; VITAMIN B12-RESPONSIVE HOMOCYSTINURIA, cblE TYPE; HOMOCYSTINURIA-MEGALOBLASTIC ANEMIA, cblE COMPLEMENTATION TYPE. Identifiers: Orphanet 2169, Orphanet 622, MedGen C1856057, MONDO:0009354, OMIM 236270.

Submission:

Labcorp Genetics (formerly Invitae), Labcorp
Classification: Pathogenic for Methylcobalamin deficiency type cblE. Last evaluated: 2022-03-20. Review status: criteria provided, single submitter. Criteria: Invitae Variant Classification Sherloc (09022015). Collection method: clinical testing. Allele origin: germline.
Comment: This variant has not been reported in the literature in individuals affected with MTRR-related conditions. This variant is not present in population databases (gnomAD no frequency). This sequence change creates a premature translational stop signal (p.Val252Tyrfs*16) in the MTRR gene. It is expected to result in an absent or disrupted protein product. Loss-of-function variants in MTRR are known to be pathogenic (PMID: 15714522). For these reasons, this variant has been classified as Pathogenic.

Literature cited by the submitters: PubMed 15714522.